The following is an entry in ClinVar:

ClinVar aggregate classification (germline): Pathogenic/Likely pathogenic. Review status: criteria provided, multiple submitters, no conflicts (2 of 4 stars). 2 submissions from 2 submitters: Pathogenic (1); Likely pathogenic (1). Last evaluated 2026-01-09.

Conditions:
Recessive dystrophic epidermolysis bullosa (RDEB). Also called: Epidermolysis Bullosa Distrophica Autosomal Recessive (RDEB); severe generalized recessive dystrophic epidermolysis bullosa; epidermolysis bullosa dystrophica, autosomal recessive; DYSTROPHIC EPIDERMOLYSIS BULLOSA, AUTOSOMAL RECESSIVE; EPIDERMOLYSIS BULLOSA DYSTROPHICA, HALLOPEAU-SIEMENS TYPE; Hallopeau-Siemens Disease. Identifiers: Orphanet 79408, Orphanet 79409, MedGen C0079474, MONDO:0009179, OMIM 226600.
Epidermolysis bullosa dystrophica. Also called: Dystrophic epidermolysis bullosa, Hallopeau-Siemens type (formerly); Dystrophic epidermolysis bullosa. Identifiers: Orphanet 303, MedGen C0079294, MONDO:0006543.

Submissions (2):

Myriad Genetics, Inc.
Classification: Pathogenic for Recessive dystrophic epidermolysis bullosa. Last evaluated: 2026-01-09. Review status: criteria provided, single submitter. Criteria: Myriad Autosomal Dominant, Autosomal Recessive and X-Linked Classification Criteria (2023). Collection method: clinical testing. Allele origin: unknown.
Comment: NM_000094.3(COL7A1):c.4463delT(L1488Rfs*222) is expected to be pathogenic in the context of dystrophic epidermolysis bullosa. This variant is predicted to lead to an abnormal or absent protein product due to the creation of a premature termination codon in COL7A1, a gene where loss-of-function variants are known to be pathogenic. Please note: this variant was assessed in the context of healthy population screening.

Natera, Inc.
Classification: Likely pathogenic for Dystrophic epidermolysis bullosa. Last evaluated: 2024-04-04. Review status: criteria provided, single submitter. Criteria: Natera Variant Classification Schema (03/2026). Collection method: clinical testing. Allele origin: germline.
Comment: The c.4463delT variant in COL7A1 is a frameshift variant predicted to shift the reading frame beginning at codon 1488 and leads to a stop codon 222 codons downstream. This variant is expected to result in nonsense mediated decay, truncation, or a dysfunctional protein product. This variant is rare in the general population with a frequency below the threshold expected for the associated phenotype(s). Given the available evidence, this variant is classified as Likely Pathogenic.

NM_000094.4(COL7A1):c.4463del (p.Leu1488fs)

Gene: COL7A1 (collagen type VII alpha 1 chain; minus strand). Cytogenetic location: 3p21.31.
Variant type: Deletion.
Coding change: c.4463del on transcript NM_000094.4 (MANE Select); coding-DNA position 4463, one base deleted (T; older notation c.4463delT).
Protein change: p.Leu1488fs; shifts the reading frame from leucine 1488.
Molecular consequence: frameshift variant.
Genome position (GRCh38, 1-based): chr3:48,583,146, A deleted on the plus strand (T on the coding strand, the reverse complement: COL7A1 is on the minus strand). VCF-style (leftmost placement, unchanged base first): chr3-48583145-CA-C. GRCh37 (hg19) VCF-style: chr3-48620578-CA-C.
Other names: short protein forms L1488fs.
Identifiers: ClinVar variation 4817376 (VCV004817376.2).